The following is an entry in ClinVar:

ClinVar aggregate classification (germline): Uncertain significance. Review status: criteria provided, multiple submitters, no conflicts (2 of 4 stars). 4 submissions from 4 submitters: Uncertain significance (4). Last evaluated 2024-12-18.

Conditions:
CSGALNACT1-related disorder. Also called: CSGALNACT1-related condition.
Inborn genetic diseases. Identifiers: MedGen C0950123, MeSH D030342.

Allele frequency attached by ClinVar (database versions not stated): ExAC 0.00006; gnomAD 0.00010; TOPMed 0.00014; ESP Exome Variant Server 0.00015.

Submissions (4):

PreventionGenetics, part of Exact Sciences
Classification: Uncertain significance for CSGALNACT1-related condition. Last evaluated: 2024-12-18. Review status: criteria provided, single submitter. Criteria: ACMG Guidelines, 2015. Collection method: clinical testing. Allele origin: germline.
Comment: The CSGALNACT1 c.1199A>G variant is predicted to result in the amino acid substitution p.Asp400Gly. To our knowledge, this variant has not been reported in the literature. This variant is reported in 0.015% of alleles in individuals of European (Non-Finnish) descent in gnomAD. At this time, the clinical significance of this variant is uncertain due to the absence of conclusive functional and genetic evidence.

Blueprint Genetics
Classification: Uncertain significance. Last evaluated: 2024-10-09. Review status: criteria provided, single submitter. Criteria: ACMG Guidelines, 2015. Collection method: clinical testing. Allele origin: germline.

Ambry Genetics
Classification: Uncertain significance for Inborn genetic diseases. Last evaluated: 2024-01-02. Review status: criteria provided, single submitter. Criteria: Ambry Variant Classification Scheme 2023. Collection method: clinical testing. Allele origin: germline.

Labcorp Genetics (formerly Invitae), Labcorp
Classification: Uncertain significance. Last evaluated: 2021-09-21. Review status: criteria provided, single submitter. Criteria: Invitae Variant Classification Sherloc (09022015). Collection method: clinical testing. Allele origin: germline.
Comment: This sequence change replaces aspartic acid with glycine at codon 400 of the CSGALNACT1 protein (p.Asp400Gly). The aspartic acid residue is moderately conserved and there is a moderate physicochemical difference between aspartic acid and glycine. This variant is present in population databases (rs202092533, ExAC 0.01%). This variant has not been reported in the literature in individuals affected with CSGALNACT1-related conditions. Algorithms developed to predict the effect of missense changes on protein structure and function (SIFT, PolyPhen-2, Align-GVGD) all suggest that this variant is likely to be tolerated. In summary, the available evidence is currently insufficient to determine the role of this variant in disease. Therefore, it has been classified as a Variant of Uncertain Significance.

NM_001354483.2(CSGALNACT1):c.1199A>G (p.Asp400Gly)

Gene: CSGALNACT1 (chondroitin sulfate N-acetylgalactosaminyltransferase 1; minus strand). Cytogenetic location: 8p21.3.
Variant type: single nucleotide variant.
Coding change: c.1199A>G on transcript NM_001354483.2 (MANE Select); coding-DNA position 1199, A replaced by G.
Protein change: p.Asp400Gly; replaces aspartic acid 400 with glycine.
Molecular consequence: missense variant. On other transcripts: non-coding transcript variant (7).
Genome position (GRCh38, 1-based): chr8:19,418,684, T>C on the plus strand (A>G on the coding strand, the complement: CSGALNACT1 is on the minus strand). VCF-style: chr8-19418684-T-C. GRCh37 (hg19) VCF-style: chr8-19276195-T-C.
Other names: c.1199A>G (NM_001130518.1); c.1199A>G, p.Asp400Gly (NM_001130518.2, NM_001354475.2, NM_001354476.2 and 18 more transcripts); short protein forms D400G.
Identifiers: ClinVar variation 2052407 (VCV002052407.4), dbSNP rs202092533, ClinGen allele CA4653870.